The following is an entry in ClinVar:

NM_005560.6(LAMA5):c.10877A>G (p.Asn3626Ser)

Gene: LAMA5 (laminin subunit alpha 5; minus strand). Cytogenetic location: 20q13.33.
Variant type: single nucleotide variant.
Coding change: c.10877A>G on transcript NM_005560.6 (MANE Select); coding-DNA position 10877, A replaced by G.
Protein change: p.Asn3626Ser; replaces asparagine 3626 with serine.
Molecular consequence: missense variant.
Genome position (GRCh38, 1-based): chr20:62,309,787, T>C on the plus strand (A>G on the coding strand, the complement: LAMA5 is on the minus strand). VCF-style: chr20-62309787-T-C. GRCh37 (hg19) VCF-style: chr20-60884843-T-C.
Other names: short protein forms N3626S.
Identifiers: ClinVar variation 734031 (VCV000734031.32), dbSNP rs143158240, ClinGen allele CA9939555.

ClinVar aggregate classification (germline): Likely benign. Review status: criteria provided, multiple submitters, no conflicts (2 of 4 stars). 2 submissions from 2 submitters: Likely benign (2). Last evaluated 2025-12-21.

Allele frequency attached by ClinVar (database versions not stated): gnomAD exomes 0.00035 and 0.00066; ExAC 0.00078; ESP Exome Variant Server 0.00248; gnomAD 0.00274 and 0.00289; TOPMed 0.00295; 1000 Genomes Project 30x 0.00422; 1000 Genomes Project 0.00459.
gnomAD v4.1: 938 of 1,609,018 alleles (0.058%); highest among the groups gnomAD compares: African/African-American, 0.93%; 6 homozygotes.

Submissions (2):

Labcorp Genetics (formerly Invitae), Labcorp
Classification: Likely benign. Last evaluated: 2025-12-21. Review status: criteria provided, single submitter. Criteria: Invitae Variant Classification Sherloc (09022015). Collection method: clinical testing. Allele origin: germline.

CeGaT Center for Human Genetics Tuebingen
Classification: Likely benign. Last evaluated: 2025-02-01. Review status: criteria provided, single submitter. Criteria: CeGaT Center For Human Genetics Tuebingen Variant Classification Criteria Version 2. Collection method: clinical testing. Allele origin: germline. Affected: yes. Observed: 2 variant alleles.
Comment: LAMA5: BS2